The following is an entry in ClinVar:

NM_001378328.1(CELSR1):c.7065C>A (p.Tyr2355Ter)

Gene: CELSR1 (cadherin EGF LAG seven-pass G-type receptor 1; minus strand). Cytogenetic location: 22q13.31.
Variant type: single nucleotide variant.
Coding change: c.7065C>A on transcript NM_001378328.1 (MANE Select); coding-DNA position 7065, C replaced by A.
Protein change: p.Tyr2355Ter; replaces tyrosine 2355 with a stop codon.
Molecular consequence: nonsense.
Genome position (GRCh38, 1-based): chr22:46,381,869, G>T on the plus strand (C>A on the coding strand, the complement: CELSR1 is on the minus strand). VCF-style: chr22-46381869-G-T. GRCh37 (hg19) VCF-style: chr22-46777766-G-T.
Other names: c.7065C>A, p.Tyr2355Ter (NM_014246.4); short protein forms Y2355*.
Identifiers: ClinVar variation 3375586 (VCV003375586.1).
Genomic context (GRCh38, chr22:46,381,869, plus strand): 5'-ACGGGCCCTCCCCGTGTGCCCCGTGCCCAGGCCTTACCGGAGGCTGCGACGGTCGGGGTC[G>T]TAGCGCTCGGGCAGGAGCTGCCCCAGGGTGCGGTAAATGATGACCAGAGCGACGGCGAAC-3'

ClinVar aggregate classification (germline): Uncertain significance (1 of 4 stars; one submission).

Submission:

GeneDx
Classification: Uncertain significance. Last evaluated: 2024-05-09. Review status: criteria provided, single submitter. Criteria: GeneDx Variant Classification Process June 2021. Collection method: clinical testing. Allele origin: germline. Affected: yes.
Comment: Nonsense variant predicted to result in protein truncation or nonsense mediated decay in a gene or region of a gene for which loss of function is not a well-established mechanism of disease; Not observed at significant frequency in large population cohorts (gnomAD); Has not been previously published as pathogenic or benign to our knowledge